The following is an entry in ClinVar:

NM_016169.4(SUFU):c.67C>T (p.Pro23Ser)

Genes: SUFU (SUFU negative regulator of hedgehog signaling; plus strand), LOC130004614 (ATAC-STARR-seq lymphoblastoid silent region 2764; plus strand). Cytogenetic location: 10q24.32.
Variant type: single nucleotide variant.
Coding change: c.67C>T on transcript NM_016169.4 (MANE Select); coding-DNA position 67, C replaced by T.
Protein change: p.Pro23Ser; replaces proline 23 with serine.
Molecular consequence: missense variant.
Genome position (GRCh38, 1-based): chr10:102,504,219, C>T. VCF-style: chr10-102504219-C-T. GRCh37 (hg19) VCF-style: chr10-104263976-C-T.
Other names: c.67C>T, p.Pro23Ser (NM_001178133.2); short protein forms P23S.
Identifiers: ClinVar variation 486526 (VCV000486526.17), dbSNP rs766666529, ClinGen allele CA5667587.

ClinVar aggregate classification (germline): Conflicting classifications of pathogenicity. Review status: criteria provided, conflicting classifications (1 of 4 stars). 3 submissions from 3 submitters: Uncertain significance (2); Benign (1). Last evaluated 2025-12-29.

Conditions:
Medulloblastoma (MDB). Also called: Medulloblastoma, somatic; MEDULLOBLASTOMA PREDISPOSITION SYNDROME. Identifiers: Orphanet 616, MedGen C0025149, MeSH D008527, MONDO:0007959, OMIM 155255, HP:0002885.
Gorlin syndrome. Also called: Basal cell nevus syndrome; Nevoid Basal Cell Carcinoma Syndrome. Identifiers: Orphanet 377, MedGen C0004779, MONDO:0007187.
Hereditary cancer-predisposing syndrome. Also called: Tumor predisposition; Neoplastic Syndromes, Hereditary; Hereditary Cancer Syndrome; Hereditary neoplastic syndrome. Identifiers: Orphanet 140162, MedGen C0027672, MeSH D009386, MONDO:0015356.

Allele frequency attached by ClinVar (database versions not stated): gnomAD exomes 0.00001 and 0.00002; TOPMed 0.00001; ExAC 0.00002; gnomAD 0.00002.
gnomAD v4.1: 22 of 1,610,556 alleles (0.0014%); highest among the groups gnomAD compares: African/African-American, 0.0067%; no homozygotes.

Submissions (3):

Labcorp Genetics (formerly Invitae), Labcorp
Classification: Uncertain significance for Gorlin syndrome; Medulloblastoma. Last evaluated: 2025-12-29. Review status: criteria provided, single submitter. Criteria: Invitae Variant Classification Sherloc (09022015). Collection method: clinical testing. Allele origin: germline.
Comment: This sequence change replaces proline, which is neutral and non-polar, with serine, which is neutral and polar, at codon 23 of the SUFU protein (p.Pro23Ser). This variant is present in population databases (rs766666529, gnomAD 0.009%). This variant has not been reported in the literature in individuals affected with SUFU-related conditions. ClinVar contains an entry for this variant (Variation ID: 486526). An algorithm developed to predict the effect of missense changes on protein structure and function (PolyPhen-2) suggests that this variant is likely to be disruptive. In summary, the available evidence is currently insufficient to determine the role of this variant in disease. Therefore, it has been classified as a Variant of Uncertain Significance.

GeneDx
Classification: Uncertain significance. Last evaluated: 2023-10-27. Review status: criteria provided, single submitter. Criteria: GeneDx Variant Classification Process June 2021. Collection method: clinical testing. Allele origin: germline. Affected: yes.
Comment: In silico analysis supports that this missense variant does not alter protein structure/function; Has not been previously published as pathogenic or benign to our knowledge

Ambry Genetics
Classification: Benign for Hereditary cancer-predisposing syndrome. Last evaluated: 2023-05-09. Review status: criteria provided, single submitter. Criteria: Ambry Variant Classification Scheme 2023. Collection method: clinical testing. Allele origin: germline.